The following is an entry in ClinVar:

ClinVar aggregate classification (germline): Conflicting classifications of pathogenicity. Review status: criteria provided, conflicting classifications (1 of 4 stars). 21 submissions from 21 submitters: Pathogenic (2); Likely pathogenic (2); Uncertain significance (13); Likely benign (2). 2 of the submissions do not count toward it. Last evaluated 2026-08-01.

Conditions:
ABCC6-related disorder. Also called: ABCC6-related condition.
Arterial calcification, generalized, of infancy, 2. Identifiers: Orphanet 51608, MedGen C3276161, MONDO:0013768, OMIM 614473.
Autosomal recessive inherited pseudoxanthoma elasticum (PXE). Identifiers: Orphanet 758, MedGen CN032334, MONDO:0009925, OMIM 264800.
Pseudoxanthoma elasticum, forme fruste. Also called: Pseudoxanthoma Elasticum, Incomplete; PSEUDOXANTHOMA ELASTICUM, HETEROZYGOUS. Identifiers: Orphanet 758, MedGen C1867450, MONDO:0008333, OMIM 177850.
Retinal dystrophy. Also called: Inherited retinal dystrophy. Identifiers: Orphanet 71862, MedGen C0854723, MeSH D058499, MONDO:0019118, HP:0000556.

Allele frequency attached by ClinVar (database versions not stated): 1000 Genomes Project 30x 0.00265; 1000 Genomes Project 0.00280; gnomAD 0.00459 and 0.00476; TOPMed 0.00479; gnomAD exomes 0.00557 and 0.00702; ExAC 0.00613; ESP Exome Variant Server 0.00670.
gnomAD v4.1: 11,002 of 1,613,982 alleles (0.68%); highest among the groups gnomAD compares: Middle Eastern, 0.84%; 57 homozygotes.

Submissions 1 to 9 of 21:

CeGaT Center for Human Genetics Tuebingen
Classification: Likely benign. Last evaluated: 2026-08-01. Review status: criteria provided, single submitter. Criteria: CeGaT Center For Human Genetics Tuebingen Variant Classification Criteria Version 2. Collection method: clinical testing. Allele origin: germline. Affected: yes. Observed: 42 variant alleles.
Comment: ABCC6: BS2

PreventionGenetics, part of Exact Sciences
Classification: Likely pathogenic for ABCC6-related condition. Last evaluated: 2026-06-20. Review status: criteria provided, single submitter. Criteria: ACMG Guidelines, 2015. Collection method: clinical testing. Allele origin: germline.
Comment: The ABCC6 c.1171A>G variant is predicted to result in the amino acid substitution p.Arg391Gly. This variant has been reported in the heterozygous, compound heterozygous, and homozygous states, as well as in the presence of other ABCC6 variants (phase not established), in individuals with pseudoxanthoma elasticum (PXE) of variable severity and onset (Chassaing et al. 2004. PubMed ID: 15086542; Misksch et al. 2005. PubMed ID: 16086317; Ringpfeil et al. 2006. PubMed ID: 16410789, Schulz et al. 2006. PubMed ID: 16835894, Pfendner et al. 2007. PubMed ID: 17617515; Boraldi et al. 2020. PubMed ID: 32039214; Issa et al. 2020. PubMed ID: 32442430; Tsui et al. 2024. PubMed ID: 39015234). It has been reported in the heterozygous state in the absence of a second variant in at least one individual from an ischemic stroke cohort (Table S3, De Vilder et al. 2018. PubMed ID: 29722917). It has been reported in the heterozygous state with and without the presence of a second ABCC6 variant (phase not established), in a limited number of individuals with generalized calcification of infancy (GACI) and/or vascular anomalies (Nitschke et al. 2012. PubMed ID: 22209248; Li et al. 2014. PubMed ID: 24008425; Mattassi et al. 2017. PubMed ID: 28655553). A recent study reported this variant along with a second variant in 3 individuals with late onset PXE, 80 years or older, consisting of only ocular features (Issa et al. 2020. PubMed ID: 32442430). In vivo and in vitro functional studies demonstrate no effect on protein expression, localization, or intra-protein interaction (Saeidian et al. 2021. PubMed ID: 34906475; Szeri et al. 2022. PubMed ID: 36317459). This variant is thought to be a low penetrance hypomorphic allele capable of resulting in disease when combined with a severe pathogenic variant on the opposite allele (in trans) (Issa et al. 2020. PubMed ID: 32442430). Evidence shows this variant is enriched, up to 3.5-fold, in PXE (Saeidian et al. 2021. PubMed ID: 34906475; Tsui et al. 2024. PubMed ID: 39015234). More recently, the penetrance of this variant was hypothesized to be only 2%; however, when penetrant, it manifests a similar disease severity and progression to what two fully penetrant loss of function variants cause (Szeri et al. 2022. PubMed ID: 36317459). In an updated version of gnomAD (v4), this variant has an allele frequency of 0.84% in individuals of Middle Eastern descent, including 57 homozygous individuals globally, which is likely too frequent to be a primary cause of disease. This variant has conflicting classifications in ClinVar ranging from likely benign to pathogenic (ClinVar ID: 265017). This variant is interpreted as likely pathogenic with incomplete penetrance.

3billion
Classification: Uncertain significance for Autosomal recessive inherited pseudoxanthoma elasticum. Last evaluated: 2026-01-08. Review status: criteria provided, single submitter. Criteria: ACMG Guidelines, 2015. Collection method: clinical testing. Allele origin: germline. Affected: yes.
Comment: The variant is observed as homozygous in at least two unrelated individuals/adults in the gnomAD v4.1.0 dataset. Incomplete penetrance has been reported for the variant (PMID: 36317459). Predicted Consequence/Location: Missense variant In silico tool prediction suggests damaging effect of the variant on gene or gene product [REVEL: 0.85 (>=0.6, sensitivity 0.68 and specificity 0.92)]. The same nucleotide change resulting in the same amino acid change has been previously reported to be associated with ABCC6-related disorder (ClinVar ID: VCV000265017 /PMID: 15086542).However, the evidence of pathogenicity is insufficient at this time. Therefore, this variant is classified as VUS according to the recommendation of ACMG/AMP guideline.

Dasa
Classification: Uncertain significance. Last evaluated: 2026-01-02. Review status: criteria provided, single submitter. Criteria: DASA Assertion Criteria. Collection method: clinical testing. Allele origin: germline.
Comment: NM_001171.6(ABCC6):c.1171A>G (p.Arg391Gly) is a missense variant that results in the substitution of arginine with glycine. The affected residue or protein region has prior evidence supporting clinical relevance. This classification is supported by population frequency inconsistent with a disease-causing role. Computational prediction algorithms are consistent with a deleterious effect. The currently available literature and clinical evidence are not sufficient to establish a definitive association between this variant and the reported condition. Therefore, this variant is classified as a variant of uncertain significance.

Mayo Clinic Laboratories, Mayo Clinic
Classification: Uncertain significance. Last evaluated: 2025-09-05. Review status: criteria provided, single submitter. Criteria: ACMG Guidelines, 2015. Collection method: clinical testing. Allele origin: germline. Observed: 4 variant alleles.
Comment: BS1, BS2, PP3_moderate, PM3_strong, PS3

OLLIN Analises Genomicas, OLLIN
Classification: Pathogenic for Pseudoxanthoma elasticum, forme fruste. Last evaluated: 2025-03-26. Review status: criteria provided, single submitter. Criteria: ACMG Guidelines 2015 PMID 25741868. Collection method: clinical testing. Allele origin: germline. Affected: yes. Observed: 1 variant allele.
Comment: The missense variant (chr16:16202006T>C), located in exon 9 (of 31), is reported in ClinVar (VCV000265017.64), in gnomAD v4.1 non-UKB with an allele frequency of 0.61%, and in the scientific literature, in simple and compound homozygosity and heterozygosity, in individuals with pseudoxanthoma elasticum (PMID: 18513494, 15086542, 16410789, 16835894, 36317459). In silico analysis predicts that this variant has a deleterious effect. According to currently available evidence, this variant has been classified as pathogenic (PS4, PM3_VS, PP3_M).

Johns Hopkins Genomics, Johns Hopkins University
Classification: Uncertain significance for Autosomal recessive inherited pseudoxanthoma elasticum. Last evaluated: 2025-03-17. Review status: criteria provided, single submitter. Criteria: ACMG Guidelines, 2015. Collection method: clinical testing. Allele origin: germline.
Comment: This ABCC6 variant (rs72653762) has been identified in a large population dataset and the global minor allele frequency is neither low enough to consider the variant rare (<0.1%) nor high enough to consider it a population polymorphism (>1%); gnomAD v2.1.1: 1545/282338 total alleles; MAF 0.55%, 5 homozygotes. This variant has an entry in ClinVar and has been reported in the literature in unrelated individuals with PXE. This missense variant showed a small but significant enrichment amongst 589 PXE patients compared to population matched controls from gnomAD (2.89-fold enrichment; p=5×10-4). It is generally considered a hypomorphic variant resulting in late-onset disease when combined with a severe pathogenic variant on the opposite allele (in trans). Two bioinformatic tools queried predict that this substitution would be damaging, and the arginine residue at this position is strongly conserved across the vertebrate species assessed. However, the effect of this variant in the homozygous state is uncertain. Experimental studies using transgenes expressing the p.Arg391Gly substitution showed activity comparable to wildtype ABCC6 protein. Bioinformatic analysis predicts that this missense variant would not affect normal exon 9 splicing, although this has not been confirmed experimentally to our knowledge. This variant alone is not expected to cause PXE. Due to conflicting evidence that this variant is deleterious, we consider the clinical significance of c.1171A>G to be uncertain at this time.

Blueprint Genetics
Classification: Uncertain significance. Last evaluated: 2024-11-26. Review status: criteria provided, single submitter. Criteria: ACMG Guidelines, 2015. Collection method: clinical testing. Allele origin: germline.

Fulgent Genetics
Classification: Uncertain significance for Pseudoxanthoma elasticum, forme fruste; Autosomal recessive inherited pseudoxanthoma elasticum; Arterial calcification, generalized, of infancy, 2. Last evaluated: 2024-05-11. Review status: criteria provided, single submitter. Criteria: ACMG Guidelines, 2015. Collection method: clinical testing. Allele origin: germline.

NM_001171.6(ABCC6):c.1171A>G (p.Arg391Gly)

Gene: ABCC6 (ATP binding cassette subfamily C member 6; minus strand). Cytogenetic location: 16p13.11.
Variant type: single nucleotide variant.
Coding change: c.1171A>G on transcript NM_001171.6 (MANE Select); coding-DNA position 1171, A replaced by G.
Protein change: p.Arg391Gly; replaces arginine 391 with glycine.
Molecular consequence: missense variant. On other transcripts: non-coding transcript variant (1).
Genome position (GRCh38, 1-based): chr16:16,202,006, T>C on the plus strand (A>G on the coding strand, the complement: ABCC6 is on the minus strand). VCF-style: chr16-16202006-T-C. GRCh37 (hg19) VCF-style: chr16-16295863-T-C.
Other names: c.829A>G, p.Arg277Gly (NM_001351800.1); short protein forms R391G, R277G.
Identifiers: ClinVar variation 265017 (VCV000265017.74), dbSNP rs72653762, ClinGen allele CA7926447.